The following is an entry in ClinVar:

NM_000273.3(GPR143):c.445G>A (p.Ala149Thr)

Gene: GPR143 (G protein-coupled receptor 143; minus strand). Cytogenetic location: Xp22.2.
Variant type: single nucleotide variant.
Coding change: c.445G>A on transcript NM_000273.3 (MANE Select); coding-DNA position 445, G replaced by A.
Protein change: p.Ala149Thr; replaces alanine 149 with threonine.
Molecular consequence: missense variant.
Genome position (GRCh38, 1-based): chrX:9,759,342, C>T on the plus strand (G>A on the coding strand, the complement: GPR143 is on the minus strand). VCF-style: chrX-9759342-C-T. GRCh37 (hg19) VCF-style: chrX-9727382-C-T.
Other names: short protein forms A149T.
Identifiers: ClinVar variation 1481107 (VCV001481107.8), dbSNP rs2083485983, ClinGen allele CA411998826.

ClinVar aggregate classification (germline): Uncertain significance (1 of 4 stars; one submission).

Allele frequency attached by ClinVar (database versions not stated): TOPMed below 0.00001.

Submission:

Labcorp Genetics (formerly Invitae), Labcorp
Classification: Uncertain significance. Last evaluated: 2022-11-01. Review status: criteria provided, single submitter. Criteria: Invitae Variant Classification Sherloc (09022015). Collection method: clinical testing. Allele origin: germline.
Comment: This sequence change replaces alanine, which is neutral and non-polar, with threonine, which is neutral and polar, at codon 149 of the GPR143 protein (p.Ala149Thr). This variant is not present in population databases (gnomAD no frequency). This variant has not been reported in the literature in individuals affected with GPR143-related conditions. ClinVar contains an entry for this variant (Variation ID: 1481107). Advanced modeling of protein sequence and biophysical properties (such as structural, functional, and spatial information, amino acid conservation, physicochemical variation, residue mobility, and thermodynamic stability) performed at Invitae indicates that this missense variant is not expected to disrupt GPR143 protein function. In summary, the available evidence is currently insufficient to determine the role of this variant in disease. Therefore, it has been classified as a Variant of Uncertain Significance.